The following is an entry in ClinVar:

ClinVar aggregate classification (germline): Likely benign. Review status: criteria provided, multiple submitters, no conflicts (2 of 4 stars). 3 submissions from 3 submitters: Likely benign (3). Last evaluated 2025-08-24.

Conditions:
Tuberous sclerosis 2 (TSC2). Identifiers: Orphanet 805, MedGen C1860707, MONDO:0013199, OMIM 613254.
Lymphangiomyomatosis (LAM). Also called: Lymphangioleiomyomatosis; Lymphangioleiomyomatosis, somatic. Identifiers: Orphanet 538, MedGen C0751674, MONDO:0011705, OMIM 606690.
Isolated focal cortical dysplasia type II (FCORD2). Also called: Focal cortical dysplasia type II; CORTICAL DYSPLASIA OF TAYLOR. Identifiers: Orphanet 268994, MedGen C1846385, MONDO:0011818, OMIM 607341, HP:0032051.

Allele frequency attached by ClinVar (database versions not stated): ESP Exome Variant Server 0.00008.
gnomAD v4.1: 4 of 1,612,560 alleles (0.00025%); highest among the groups gnomAD compares: African/African-American, 0.004%; no homozygotes.

Submissions (3):

Labcorp Genetics (formerly Invitae), Labcorp
Classification: Likely benign for Tuberous sclerosis 2. Last evaluated: 2025-08-24. Review status: criteria provided, single submitter. Criteria: Invitae Variant Classification Sherloc (09022015). Collection method: clinical testing. Allele origin: germline.

Myriad Genetics, Inc.
Classification: Likely benign for Tuberous sclerosis 2. Last evaluated: 2025-06-04. Review status: criteria provided, single submitter. Criteria: Myriad Autosomal Dominant, Autosomal Recessive and X-Linked Classification Criteria (2023). Collection method: clinical testing. Allele origin: unknown.
Comment: This variant is considered likely benign. This variant is intronic and is not expected to impact mRNA splicing.

Fulgent Genetics
Classification: Likely benign for Lymphangiomyomatosis; Isolated focal cortical dysplasia type II; Tuberous sclerosis 2. Last evaluated: 2022-02-08. Review status: criteria provided, single submitter. Criteria: ACMG Guidelines, 2015. Collection method: clinical testing. Allele origin: unknown.

NM_000548.5(TSC2):c.4570-13C>T

Gene: TSC2 (TSC complex subunit 2; plus strand). Cytogenetic location: 16p13.3.
Variant type: single nucleotide variant.
Coding change: c.4570-13C>T on transcript NM_000548.5 (MANE Select); 13 bases into the intron before coding-DNA position 4570, C replaced by T.
Molecular consequence: intron variant.
Genome position (GRCh38, 1-based): chr16:2,085,217, C>T. VCF-style: chr16-2085217-C-T. GRCh37 (hg19) VCF-style: chr16-2135218-C-T.
Other names: c.4501-13C>T (NM_001114382.3); c.4441-13C>T (NM_021055.3, NM_001370405.1); c.4372-13C>T (NM_001363528.2); c.4438-13C>T (NM_001370404.1); c.4369-13C>T (NM_001077183.3); c.4261-13C>T (NM_001318827.2); c.3838-13C>T (NM_001318831.2); c.4225-13C>T (NM_001318829.2); and 1 more.
Identifiers: ClinVar variation 1559751 (VCV001559751.13), dbSNP rs370549253, ClinGen allele CA051698.